The following is an entry in ClinVar:

ClinVar aggregate classification (germline): Uncertain significance. Review status: criteria provided, multiple submitters, no conflicts (2 of 4 stars). 2 submissions from 2 submitters: Uncertain significance (2). Last evaluated 2021-09-01.

Conditions:
Connective tissue disorder. Also called: Connective tissue disease. Identifiers: MedGen C0009782, MONDO:0003900.

Allele frequency attached by ClinVar (database versions not stated): gnomAD 0.00004 and 0.00005; ExAC 0.00007; TOPMed 0.00008; ESP Exome Variant Server 0.00015.
gnomAD v4.1: 187 of 1,613,902 alleles (0.012%); highest among the groups gnomAD compares: Non-Finnish European, 0.015%; no homozygotes.

Submissions (2):

Labcorp Genetics (formerly Invitae), Labcorp
Classification: Uncertain significance. Last evaluated: 2021-09-01. Review status: criteria provided, single submitter. Criteria: Invitae Variant Classification Sherloc (09022015). Collection method: clinical testing. Allele origin: germline.
Comment: This sequence change replaces proline with arginine at codon 821 of the LIFR protein (p.Pro821Arg). The proline residue is highly conserved and there is a moderate physicochemical difference between proline and arginine. This variant is present in population databases (rs139248720, ExAC 0.01%). This variant has not been reported in the literature in individuals affected with LIFR-related conditions. Algorithms developed to predict the effect of missense changes on protein structure and function are either unavailable or do not agree on the potential impact of this missense change (SIFT: "Tolerated"; PolyPhen-2: "Probably Damaging"; Align-GVGD: "Class C25"). In summary, the available evidence is currently insufficient to determine the role of this variant in disease. Therefore, it has been classified as a Variant of Uncertain Significance.

Genome Diagnostics Laboratory, The Hospital for Sick Children
Classification: Uncertain significance for Connective tissue disorder. Last evaluated: 2019-12-01. Review status: criteria provided, single submitter. Criteria: ACMG Guidelines, 2015. Collection method: clinical testing. Allele origin: germline.

NM_001127671.2(LIFR):c.2462C>G (p.Pro821Arg)

Gene: LIFR (LIF receptor subunit alpha; minus strand). Cytogenetic location: 5p13.1.
Variant type: single nucleotide variant.
Coding change: c.2462C>G on transcript NM_001127671.2 (MANE Select); coding-DNA position 2462, C replaced by G.
Protein change: p.Pro821Arg; replaces proline 821 with arginine.
Molecular consequence: missense variant.
Genome position (GRCh38, 1-based): chr5:38,485,854, G>C on the plus strand (C>G on the coding strand, the complement: LIFR is on the minus strand). VCF-style: chr5-38485854-G-C. GRCh37 (hg19) VCF-style: chr5-38485956-G-C.
Other names: c.2462C>G, p.Pro821Arg (NM_001364297.2, NM_001364298.2, NM_002310.6); short protein forms P821R.
Identifiers: ClinVar variation 1702521 (VCV001702521.5), dbSNP rs139248720, ClinGen allele CA3242660.